The following is an entry in ClinVar:

NM_004484.4(GPC3):c.67C>G (p.Gln23Glu)

Gene: GPC3 (glypican 3; minus strand). Cytogenetic location: Xq26.2.
Variant type: single nucleotide variant.
Coding change: c.67C>G on transcript NM_004484.4 (MANE Select); coding-DNA position 67, C replaced by G.
Protein change: p.Gln23Glu; replaces glutamine 23 with glutamic acid.
Molecular consequence: missense variant.
Genome position (GRCh38, 1-based): chrX:133,985,383, G>C on the plus strand (C>G on the coding strand, the complement: GPC3 is on the minus strand). VCF-style: chrX-133985383-G-C. GRCh37 (hg19) VCF-style: chrX-133119410-G-C.
Other names: c.67C>G, p.Gln23Glu (NM_001164617.2, NM_001164618.2, NM_001164619.2); short protein forms Q23E.
Identifiers: ClinVar variation 1913019 (VCV001913019.5), dbSNP rs2521971789, ClinGen allele CA414707110.

ClinVar aggregate classification (germline): Uncertain significance (1 of 4 stars; one submission).

Conditions:
Wilms tumor 1 (WT1). Also called: Wilms tumor, somatic. Identifiers: Orphanet 654, MedGen CN033288, MONDO:0008679, OMIM 194070.

Allele frequency attached by ClinVar (database versions not stated): gnomAD exomes below 0.00001.
gnomAD v4.1: 1 of 1,194,954 alleles (0.000084%); highest among the groups gnomAD compares: Admixed American, 0.0023%; no homozygotes.

Submission:

Labcorp Genetics (formerly Invitae), Labcorp
Classification: Uncertain significance for Wilms tumor 1. Last evaluated: 2025-12-10. Review status: criteria provided, single submitter. Criteria: Invitae Variant Classification Sherloc (09022015). Collection method: clinical testing. Allele origin: germline.
Comment: This sequence change replaces glutamine, which is neutral and polar, with glutamic acid, which is acidic and polar, at codon 23 of the GPC3 protein (p.Gln23Glu). This variant is not present in population databases (gnomAD no frequency). This variant has not been reported in the literature in individuals affected with GPC3-related conditions. ClinVar contains an entry for this variant (Variation ID: 1913019). An algorithm developed to predict the effect of missense changes on protein structure and function (PolyPhen-2) suggests that this variant is likely to be tolerated. In summary, the available evidence is currently insufficient to determine the role of this variant in disease. Therefore, it has been classified as a Variant of Uncertain Significance.